The following is an entry in ClinVar:

ClinVar aggregate classification (germline): Uncertain significance. Review status: criteria provided, multiple submitters, no conflicts (2 of 4 stars). 2 submissions from 2 submitters: Uncertain significance (2). Last evaluated 2025-02-04.

Conditions:
Inborn genetic diseases. Identifiers: MedGen C0950123, MeSH D030342.

Submissions (2):

Ambry Genetics
Classification: Uncertain significance for Inborn genetic diseases. Last evaluated: 2025-02-04. Review status: criteria provided, single submitter. Criteria: Ambry Variant Classification Scheme 2023. Collection method: clinical testing. Allele origin: germline.
Comment: The p.S351L variant (also known as c.1052C>T), located in coding exon 9 of the ANKRD26 gene, results from a C to T substitution at nucleotide position 1052. The serine at codon 351 is replaced by leucine, an amino acid with dissimilar properties. This amino acid position is conserved. In addition, this alteration is predicted to be tolerated by in silico analysis. Based on the available evidence, the clinical significance of this variant remains unclear.

GeneDx
Classification: Uncertain significance. Last evaluated: 2025-01-07. Review status: criteria provided, single submitter. Criteria: GeneDx Variant Classification Process June 2021. Collection method: clinical testing. Allele origin: germline. Affected: yes.
Comment: Not observed at significant frequency in large population cohorts (gnomAD); In silico analysis indicates that this missense variant does not alter protein structure/function; Has not been previously published as pathogenic or benign to our knowledge

NM_014915.3(ANKRD26):c.1052C>T (p.Ser351Leu)

Gene: ANKRD26 (ankyrin repeat domain containing 26; minus strand). Cytogenetic location: 10p12.1.
Variant type: single nucleotide variant.
Coding change: c.1052C>T on transcript NM_014915.3 (MANE Select); coding-DNA position 1052, C replaced by T.
Protein change: p.Ser351Leu; replaces serine 351 with leucine.
Molecular consequence: missense variant.
Genome position (GRCh38, 1-based): chr10:27,077,363, G>A on the plus strand (C>T on the coding strand, the complement: ANKRD26 is on the minus strand). VCF-style: chr10-27077363-G-A. GRCh37 (hg19) VCF-style: chr10-27366292-G-A.
Other names: c.1052C>T, p.Ser351Leu (NM_001256053.2); short protein forms S351L.
Identifiers: ClinVar variation 3868122 (VCV003868122.2).